The following is an entry in ClinVar:

ClinVar aggregate classification (germline): Uncertain significance (1 of 4 stars; one submission).

Conditions:
Leber congenital amaurosis 8 (LCA8). Identifiers: Orphanet 65, MedGen C3151202, MONDO:0013453, OMIM 613835.
Retinitis pigmentosa 12 (RP12). Also called: RP WITH OR WITHOUT PPRPE; RP WITH OR WITHOUT PRESERVED PARAARTERIOLE RETINAL PIGMENT EPITHELIUM; RETINITIS PIGMENTOSA WITH OR WITHOUT PARAARTERIOLAR PRESERVATION OF RETINAL PIGMENT EPITHELIUM. Identifiers: Orphanet 791, MedGen C1838647, MONDO:0010818, OMIM 600105.

Allele frequency attached by ClinVar (database versions not stated): gnomAD exomes below 0.00001.
gnomAD v4.1: 1 of 1,614,000 alleles (0.000062%); highest among the groups gnomAD compares: Non-Finnish European, 0.000085%; no homozygotes.

Submission:

Labcorp Genetics (formerly Invitae), Labcorp
Classification: Uncertain significance for Leber congenital amaurosis 8; Retinitis pigmentosa 12. Last evaluated: 2021-11-03. Review status: criteria provided, single submitter. Criteria: Invitae Variant Classification Sherloc (09022015). Collection method: clinical testing. Allele origin: germline.
Comment: This sequence change replaces leucine, which is neutral and non-polar, with phenylalanine, which is neutral and non-polar, at codon 752 of the CRB1 protein (p.Leu752Phe). This variant is not present in population databases (gnomAD no frequency). This missense change has been observed in individual(s) with clinical features of retinal dystrophy (Invitae). Advanced modeling of protein sequence and biophysical properties (such as structural, functional, and spatial information, amino acid conservation, physicochemical variation, residue mobility, and thermodynamic stability) performed at Invitae indicates that this missense variant is expected to disrupt CRB1 protein function. In summary, the available evidence is currently insufficient to determine the role of this variant in disease. Therefore, it has been classified as a Variant of Uncertain Significance.

NM_201253.3(CRB1):c.2254C>T (p.Leu752Phe)

Gene: CRB1 (crumbs cell polarity complex component 1; plus strand). Cytogenetic location: 1q31.3.
Variant type: single nucleotide variant.
Coding change: c.2254C>T on transcript NM_201253.3 (MANE Select); coding-DNA position 2254, C replaced by T.
Protein change: p.Leu752Phe; replaces leucine 752 with phenylalanine.
Molecular consequence: missense variant. On other transcripts: non-coding transcript variant (2), intron variant (1).
Genome position (GRCh38, 1-based): chr1:197,427,579, C>T. VCF-style: chr1-197427579-C-T. GRCh37 (hg19) VCF-style: chr1-197396709-C-T.
Other names: c.1918C>T, p.Leu640Phe (NM_001193640.2); c.2047C>T, p.Leu683Phe (NM_001257965.2); c.2128+5623C>T (NM_001257966.2); short protein forms L683F, L640F, L752F.
Identifiers: ClinVar variation 1404254 (VCV001404254.6), dbSNP rs2125483936, ClinGen allele CA344036834.